The following is an entry in ClinVar:

ClinVar aggregate classification (germline): Uncertain significance. Review status: criteria provided, multiple submitters, no conflicts (2 of 4 stars). 2 submissions from 2 submitters: Uncertain significance (2). Last evaluated 2025-09-22.

Allele frequency attached by ClinVar (database versions not stated): gnomAD exomes 0.00002; ExAC 0.00001.
gnomAD v4.1: 31 of 1,614,020 alleles (0.0019%); highest among the groups gnomAD compares: Non-Finnish European, 0.0024%; no homozygotes.

Submissions (2):

Ambry Genetics
Classification: Uncertain significance. Last evaluated: 2025-09-22. Review status: criteria provided, single submitter. Criteria: Ambry Variant Classification Scheme 2023. Collection method: clinical testing. Allele origin: germline.

Labcorp Genetics (formerly Invitae), Labcorp
Classification: Uncertain significance. Last evaluated: 2022-07-27. Review status: criteria provided, single submitter. Criteria: Invitae Variant Classification Sherloc (09022015). Collection method: clinical testing. Allele origin: germline.
Comment: This sequence change replaces tyrosine, which is neutral and polar, with cysteine, which is neutral and slightly polar, at codon 847 of the NCKAP1L protein (p.Tyr847Cys). This variant is present in population databases (rs770938032, gnomAD 0.002%). This variant has not been reported in the literature in individuals affected with NCKAP1L-related conditions. Algorithms developed to predict the effect of missense changes on protein structure and function are either unavailable or do not agree on the potential impact of this missense change (SIFT: "Deleterious"; PolyPhen-2: "Probably Damaging"; Align-GVGD: "Class C0"). In summary, the available evidence is currently insufficient to determine the role of this variant in disease. Therefore, it has been classified as a Variant of Uncertain Significance.

NM_005337.5(NCKAP1L):c.2540A>G (p.Tyr847Cys)

Gene: NCKAP1L (NCK associated protein 1 like; plus strand). Cytogenetic location: 12q13.2.
Variant type: single nucleotide variant.
Coding change: c.2540A>G on transcript NM_005337.5 (MANE Select); coding-DNA position 2540, A replaced by G.
Protein change: p.Tyr847Cys; replaces tyrosine 847 with cysteine.
Molecular consequence: missense variant.
Genome position (GRCh38, 1-based): chr12:54,531,293, A>G. VCF-style: chr12-54531293-A-G. GRCh37 (hg19) VCF-style: chr12-54925077-A-G.
Other names: c.2540A>G (NM_005337.4); c.2390A>G, p.Tyr797Cys (NM_001184976.2); short protein forms Y797C, Y847C.
Identifiers: ClinVar variation 1989536 (VCV001989536.2), dbSNP rs770938032, ClinGen allele CA6609466.